The following is an entry in ClinVar:

NM_017780.4(CHD7):c.2097-19G>A

Gene: CHD7 (chromodomain helicase DNA binding protein 7; plus strand). Cytogenetic location: 8q12.2.
Variant type: single nucleotide variant.
Coding change: c.2097-19G>A on transcript NM_017780.4 (MANE Select); 19 bases into the intron before coding-DNA position 2097, G replaced by A.
Molecular consequence: intron variant.
Genome position (GRCh38, 1-based): chr8:60,794,967, G>A. VCF-style: chr8-60794967-G-A. GRCh37 (hg19) VCF-style: chr8-61707526-G-A.
Other names: c.1716+13917G>A (NM_001316690.1); c.2097-19G>A (LRG_176t1).
Identifiers: ClinVar variation 488880 (VCV000488880.12), dbSNP rs559713378, ClinGen allele CA4759616.

ClinVar aggregate classification (germline): Conflicting classifications of pathogenicity. Review status: criteria provided, conflicting classifications (1 of 4 stars). 3 submissions from 3 submitters: Uncertain significance (1); Benign (1); Likely benign (1). Last evaluated 2026-01-06.

Conditions:
CHARGE syndrome (CHARGE). Also called: Hittner Hirsch Kreh syndrome; CHARGE ASSOCIATION--COLOBOMA, HEART ANOMALY, CHOANAL ATRESIA, RETARDATION, GENITAL AND EAR ANOMALIES; Coloboma, heart anomaly, choanal atresia, retardation, genital and ear anomalies; CHARGE association; Hall-Hittner syndrome. Identifiers: Orphanet 138, MedGen C0265354, MONDO:0008965.

Allele frequency attached by ClinVar (database versions not stated): gnomAD below 0.00001 and 0.00009; TOPMed 0.00003; gnomAD exomes 0.00033; ExAC 0.00037; 1000 Genomes Project 30x 0.00125; 1000 Genomes Project 0.00140.
gnomAD v4.1: 274 of 1,607,256 alleles (0.017%); highest among the groups gnomAD compares: South Asian, 0.28%; 3 homozygotes.

Submissions (3):

Labcorp Genetics (formerly Invitae), Labcorp
Classification: Benign for CHARGE syndrome. Last evaluated: 2026-01-06. Review status: criteria provided, single submitter. Criteria: Invitae Variant Classification Sherloc (09022015). Collection method: clinical testing. Allele origin: germline.

Blueprint Genetics
Classification: Likely benign. Last evaluated: 2024-08-26. Review status: criteria provided, single submitter. Criteria: ACMG Guidelines, 2015. Collection method: clinical testing. Allele origin: germline.

GeneDx
Classification: Uncertain significance. Last evaluated: 2017-11-30. Review status: criteria provided, single submitter. Criteria: GeneDx Variant Classification (06012015). Collection method: clinical testing. Allele origin: germline. Affected: yes.
Comment: The c.2097-19 G>A variant has not been published as a pathogenic variant, nor has it been reported as a benign variant to our knowledge. The variant is observed in 79/29782 (0.265%) alleles from individuals of South Asian background (Lek et al., 2016). Several in silico splice prediction models yielded uninformative results. In the absence of RNA/funtional studies, the actual effect of this sequence change in this individual is unknown. Therefore, based on the currently available information, it is unclear whether this variant is a pathogenic variant or a rare benign variant.